The following is an entry in ClinVar:

ClinVar aggregate classification (germline): Likely pathogenic (1 of 4 stars; one submission).

Submission:

Labcorp Genetics (formerly Invitae), Labcorp
Classification: Likely pathogenic. Last evaluated: 2023-09-06. Review status: criteria provided, single submitter. Criteria: Invitae Variant Classification Sherloc (09022015). Collection method: clinical testing. Allele origin: germline.
Comment: In summary, the currently available evidence indicates that the variant is pathogenic, but additional data are needed to prove that conclusively. Therefore, this variant has been classified as Likely Pathogenic. Algorithms developed to predict the effect of sequence changes on RNA splicing suggest that this variant may disrupt the consensus splice site. This variant has not been reported in the literature in individuals affected with CYP11B1-related conditions. This variant is not present in population databases (gnomAD no frequency). This sequence change affects an acceptor splice site in intron 4 of the CYP11B1 gene. It is expected to disrupt RNA splicing. Variants that disrupt the donor or acceptor splice site typically lead to a loss of protein function (PMID: 16199547), and loss-of-function variants in CYP11B1 are known to be pathogenic (PMID: 8506298, 26476331).

Literature cited by the submitters: PubMed 16199547; PubMed 8506298; PubMed 26476331.

NM_000497.4(CYP11B1):c.800-2A>G

Genes: CYP11B1 (cytochrome P450 family 11 subfamily B member 1; minus strand), LOC106799833 (CYP11B1 recombination region; plus strand). Cytogenetic location: 8q24.3.
Variant type: single nucleotide variant.
Coding change: c.800-2A>G on transcript NM_000497.4 (MANE Select); the canonical splice acceptor site of the intron before coding-DNA position 800, A replaced by G.
Molecular consequence: splice acceptor variant.
Genome position (GRCh38, 1-based): chr8:142,876,397, T>C on the plus strand (A>G on the coding strand, the complement: CYP11B1 is on the minus strand). VCF-style: chr8-142876397-T-C. GRCh37 (hg19) VCF-style: chr8-143957813-T-C.
Other names: c.800-2A>G (NM_001026213.1).
Identifiers: ClinVar variation 2758405 (VCV002758405.3), dbSNP rs1816952189, ClinGen allele CA372395362.
Genomic context (GRCh38, chr8:142,876,397, plus strand): 5'-GTACTGTTGAGGGCGGCTGAAGGCCAGTTCCTGATAGATTTTCTGGATACAGTTGTCGCC[T>C]ATCCGGGGAGCGGGAGGCAGCCCTCAGACTTTGGTGCTGGGAGACATCCTTCAGTGTCCT-3'